The following is an entry in ClinVar:

NM_020750.3(XPO5):c.3093A>C (p.Thr1031=)

Genes: POLR1C (RNA polymerase I and III subunit C; plus strand), XPO5 (exportin 5; minus strand). Cytogenetic location: 6p21.1.
Variant type: single nucleotide variant.
Coding change: c.3093A>C on transcript NM_020750.3 (MANE Select); coding-DNA position 3093, A replaced by C.
Protein change: p.Thr1031=; no amino-acid change (threonine 1031 retained).
Molecular consequence: synonymous variant. On other transcripts: non-coding transcript variant (1), intron variant (2).
Genome position (GRCh38, 1-based): chr6:43,525,188, T>G on the plus strand (A>C on the coding strand, the complement: XPO5 is on the minus strand). VCF-style: chr6-43525188-T-G. GRCh37 (hg19) VCF-style: chr6-43492926-T-G.
Other names: c.922+4140T>G (NM_001363658.2); c.923-4061T>G (NM_001318876.2).
Identifiers: ClinVar variation 2752435 (VCV002752435.5), dbSNP rs1000553470, ClinGen allele CA138329814.

ClinVar aggregate classification (germline): Likely benign. Review status: criteria provided, single submitter (1 of 4 stars). 2 submissions from 2 submitters: Likely benign (1). 1 of the submissions does not count toward it. Last evaluated 2024-10-25.

Conditions:
XPO5-related disorder. Also called: XPO5-related condition.

Allele frequency attached by ClinVar (database versions not stated): gnomAD exomes 0.00002; TOPMed 0.00036; gnomAD 0.00014.
gnomAD v4.1: 43 of 1,581,846 alleles (0.0027%); highest among the groups gnomAD compares: Admixed American, 0.06%; no homozygotes.

Submissions (2):

Labcorp Genetics (formerly Invitae), Labcorp
Classification: Likely benign. Last evaluated: 2024-10-25. Review status: criteria provided, single submitter. Criteria: Invitae Variant Classification Sherloc (09022015). Collection method: clinical testing. Allele origin: germline.

PreventionGenetics, part of Exact Sciences
Classification: Likely benign for XPO5-related condition. Last evaluated: 2023-10-09. Review status: no assertion criteria provided. Collection method: clinical testing. Allele origin: germline. Not counted in ClinVar's aggregate classification.
Comment: This variant is classified as likely benign based on ACMG/AMP sequence variant interpretation guidelines (Richards et al. 2015 PMID: 25741868, with internal and published modifications).